The following is an entry in ClinVar:

NM_000057.4(BLM):c.768C>A (p.Asp256Glu)

Gene: BLM (BLM RecQ like helicase; plus strand). Cytogenetic location: 15q26.1.
Variant type: single nucleotide variant.
Coding change: c.768C>A on transcript NM_000057.4 (MANE Select); coding-DNA position 768, C replaced by A.
Protein change: p.Asp256Glu; replaces aspartic acid 256 with glutamic acid.
Molecular consequence: missense variant. On other transcripts: 5 prime UTR variant (1).
Genome position (GRCh38, 1-based): chr15:90,750,036, C>A. VCF-style: chr15-90750036-C-A. GRCh37 (hg19) VCF-style: chr15-91293266-C-A.
Other names: c.768C>A, p.Asp256Glu (NM_001287246.2, NM_001287247.2); c.-524C>A (NM_001287248.2); short protein forms D256E.
Identifiers: ClinVar variation 2778851 (VCV002778851.4), dbSNP rs765788538, ClinGen allele CA7738348.

ClinVar aggregate classification (germline): Uncertain significance. Review status: criteria provided, multiple submitters, no conflicts (2 of 4 stars). 2 submissions from 2 submitters: Uncertain significance (2). Last evaluated 2025-11-05.

Conditions:
Bloom syndrome (BLM). Also called: Bloom-Torre-Machacek syndrome. Identifiers: Orphanet 125, MedGen C0005859, MONDO:0008876, OMIM 210900.
Hereditary cancer-predisposing syndrome. Also called: Neoplastic Syndromes, Hereditary; Tumor predisposition; Hereditary Cancer Syndrome; Hereditary neoplastic syndrome. Identifiers: Orphanet 140162, MedGen C0027672, MeSH D009386, MONDO:0015356.

Allele frequency attached by ClinVar (database versions not stated): gnomAD exomes below 0.00001; ExAC 0.00001.

Submissions (2):

Labcorp Genetics (formerly Invitae), Labcorp
Classification: Uncertain significance for Bloom syndrome. Last evaluated: 2025-11-05. Review status: criteria provided, single submitter. Criteria: Invitae Variant Classification Sherloc (09022015). Collection method: clinical testing. Allele origin: germline.
Comment: This sequence change replaces aspartic acid, which is acidic and polar, with glutamic acid, which is acidic and polar, at codon 256 of the BLM protein (p.Asp256Glu). This variant is present in population databases (rs765788538, gnomAD 0.006%). This variant has not been reported in the literature in individuals affected with BLM-related conditions. ClinVar contains an entry for this variant (Variation ID: 2778851). An algorithm developed to predict the effect of missense changes on protein structure and function (PolyPhen-2) suggests that this variant is likely to be tolerated. In summary, the available evidence is currently insufficient to determine the role of this variant in disease. Therefore, it has been classified as a Variant of Uncertain Significance.

Ambry Genetics
Classification: Uncertain significance for Hereditary cancer-predisposing syndrome. Last evaluated: 2024-08-12. Review status: criteria provided, single submitter. Criteria: Ambry Variant Classification Scheme 2023. Collection method: clinical testing. Allele origin: germline.
Comment: The p.D256E variant (also known as c.768C>A), located in coding exon 2 of the BLM gene, results from a C to A substitution at nucleotide position 768. The aspartic acid at codon 256 is replaced by glutamic acid, an amino acid with highly similar properties. This amino acid position is conserved. In addition, this alteration is predicted to be tolerated by in silico analysis. Based on the available evidence, the clinical significance of this variant remains unclear.